The following is an entry in ClinVar:

NM_004855.5(PIGB):c.1338-3T>A

Gene: PIGB (phosphatidylinositol glycan anchor biosynthesis class B; plus strand). Cytogenetic location: 15q21.3.
Variant type: single nucleotide variant.
Coding change: c.1338-3T>A on transcript NM_004855.5 (MANE Select); 3 bases into the intron before coding-DNA position 1338, T replaced by A.
Molecular consequence: intron variant.
Genome position (GRCh38, 1-based): chr15:55,354,795, T>A. VCF-style: chr15-55354795-T-A. GRCh37 (hg19) VCF-style: chr15-55646993-T-A.
Identifiers: ClinVar variation 1386563 (VCV001386563.3), dbSNP rs372719891, ClinGen allele CA7574080.

ClinVar aggregate classification (germline): Uncertain significance (1 of 4 stars; one submission).

Allele frequency attached by ClinVar (database versions not stated): gnomAD exomes 0.00005 and 0.00009; ExAC 0.00013; 1000 Genomes Project 30x 0.00016; 1000 Genomes Project 0.00020; ESP Exome Variant Server 0.00042; gnomAD 0.00052 and 0.00058.
gnomAD v4.1: 154 of 1,588,152 alleles (0.0097%); highest among the groups gnomAD compares: African/African-American, 0.2%; no homozygotes.

Submission:

Labcorp Genetics (formerly Invitae), Labcorp
Classification: Uncertain significance. Last evaluated: 2022-08-21. Review status: criteria provided, single submitter. Criteria: Invitae Variant Classification Sherloc (09022015). Collection method: clinical testing. Allele origin: germline.
Comment: This sequence change falls in intron 10 of the PIGB gene. It does not directly change the encoded amino acid sequence of the PIGB protein. It affects a nucleotide within the consensus splice site. This variant is present in population databases (rs372719891, gnomAD 0.2%). This variant has not been reported in the literature in individuals affected with PIGB-related conditions. ClinVar contains an entry for this variant (Variation ID: 1386563). Variants that disrupt the consensus splice site are a relatively common cause of aberrant splicing (PMID: 17576681, 9536098). Algorithms developed to predict the effect of sequence changes on RNA splicing suggest that this variant is not likely to affect RNA splicing. In summary, the available evidence is currently insufficient to determine the role of this variant in disease. Therefore, it has been classified as a Variant of Uncertain Significance.

Literature cited by the submitters: PubMed 17576681; PubMed 9536098.